The following is an entry in ClinVar:

ClinVar aggregate classification (germline): Uncertain significance. Review status: criteria provided, multiple submitters, no conflicts (2 of 4 stars). 2 submissions from 2 submitters: Uncertain significance (2). Last evaluated 2024-09-05.

Conditions:
Anemia, congenital dyserythropoietic, type 1a (CDAN1A). Also called: CDAN1-Related Congenital Dyserythropoietic Anemia; DYSERYTHROPOIETIC ANEMIA, CONGENITAL, TYPE Ia. Identifiers: MedGen C5574667, MONDO:0009135, OMIM 224120.

Allele frequency attached by ClinVar (database versions not stated): gnomAD exomes 0.00001.
gnomAD v4.1: 8 of 1,614,172 alleles (0.0005%); highest among the groups gnomAD compares: Non-Finnish European, 0.00068%; no homozygotes.

Submissions (2):

Labcorp Genetics (formerly Invitae), Labcorp
Classification: Uncertain significance. Last evaluated: 2024-09-05. Review status: criteria provided, single submitter. Criteria: Invitae Variant Classification Sherloc (09022015). Collection method: clinical testing. Allele origin: germline.
Comment: This sequence change replaces glutamine, which is neutral and polar, with arginine, which is basic and polar, at codon 921 of the CDAN1 protein (p.Gln921Arg). This variant is present in population databases (no rsID available, gnomAD 0.0009%). This variant has not been reported in the literature in individuals affected with CDAN1-related conditions. An algorithm developed to predict the effect of missense changes on protein structure and function outputs the following: PolyPhen-2: "Probably Damaging". The arginine amino acid residue is found in multiple mammalian species, which suggests that this missense change does not adversely affect protein function. In summary, the available evidence is currently insufficient to determine the role of this variant in disease. Therefore, it has been classified as a Variant of Uncertain Significance.

Revvity Omics, Revvity
Classification: Uncertain significance for Anemia, congenital dyserythropoietic, type 1a. Last evaluated: 2024-04-08. Review status: criteria provided, single submitter. Criteria: ACMG Guidelines, 2015. Collection method: clinical testing. Allele origin: germline.

NM_138477.4(CDAN1):c.2762A>G (p.Gln921Arg)

Gene: CDAN1 (codanin 1; minus strand). Cytogenetic location: 15q15.2.
Variant type: single nucleotide variant.
Coding change: c.2762A>G on transcript NM_138477.4 (MANE Select); coding-DNA position 2762, A replaced by G.
Protein change: p.Gln921Arg; replaces glutamine 921 with arginine.
Molecular consequence: missense variant.
Genome position (GRCh38, 1-based): chr15:42,728,694, T>C on the plus strand (A>G on the coding strand, the complement: CDAN1 is on the minus strand). VCF-style: chr15-42728694-T-C. GRCh37 (hg19) VCF-style: chr15-43020892-T-C.
Other names: short protein forms Q921R.
Identifiers: ClinVar variation 2884951 (VCV002884951.4), dbSNP rs1417992076, ClinGen allele CA392035627.
Genomic context (GRCh38, chr15:42,728,694, plus strand): 5'-TGGACCAGCGCTGCTTACTCCCGCCCCAGGGCCAATGCCTGGGCCCCGTGAGGGCACAGC[T>C]GGGAACACAAGATCTCCAACAGCTGGGCTGGGTCTCCCCCTTCCTCTCCCTGTGTCACCA-3'
Protein context (NP_612486.2, residues 911-931): PAQLLEILCS[Gln921Arg]LCPHGAQALA